The following is an entry in ClinVar:

ClinVar aggregate classification (germline): Pathogenic. Review status: criteria provided, multiple submitters, no conflicts (2 of 4 stars). 4 submissions from 4 submitters: Pathogenic (4). Last evaluated 2024-05-01.

Conditions:
Microcephaly 5, primary, autosomal recessive (MCPH5). Also called: ASPM Primary Microcephaly. Identifiers: Orphanet 2512, MedGen C1837501, MONDO:0012106, OMIM 608716.

Allele frequency attached by ClinVar (database versions not stated): TOPMed 0.00001; gnomAD exomes 0.00002 and below 0.00001; gnomAD 0.00001.

Submissions (4):

Labcorp Genetics (formerly Invitae), Labcorp
Classification: Pathogenic. Last evaluated: 2024-05-01. Review status: criteria provided, single submitter. Criteria: Invitae Variant Classification Sherloc (09022015). Collection method: clinical testing. Allele origin: germline.
Comment: This sequence change creates a premature translational stop signal (p.Gln2904Argfs*15) in the ASPM gene. It is expected to result in an absent or disrupted protein product. Loss-of-function variants in ASPM are known to be pathogenic (PMID: 19028728, 23611254). This variant is present in population databases (rs587783283, gnomAD 0.01%). This premature translational stop signal has been observed in individual(s) with primary autosomal recessive microcephaly (PMID: 23611254). ClinVar contains an entry for this variant (Variation ID: 157898). For these reasons, this variant has been classified as Pathogenic.

Genome-Nilou Lab
Classification: Pathogenic for Microcephaly 5, primary, autosomal recessive. Last evaluated: 2023-04-11. Review status: criteria provided, single submitter. Criteria: ACMG Guidelines, 2015. Collection method: clinical testing. Allele origin: germline. Affected: no.

GeneDx
Classification: Pathogenic. Last evaluated: 2015-04-16. Review status: criteria provided, single submitter. Criteria: GeneDx Variant Classification (06012015). Collection method: clinical testing. Allele origin: germline. Affected: yes.
Comment: The c.8711_8712delAA mutation in the ASPM gene has been reported previously as a homozygous mutation in an individual with primary autosomal recessive microcephaly (MCPH) (Tan et al., 2014). The deletion causes a frameshift starting with codon Glutamine 2904, changes this amino acid to an Arginine residue and creates a premature Stop codon at position 15 of the new reading frame, denoted p.Gln2904ArgfsX15. This mutation is predicted to cause loss of normal protein function either through protein truncation or nonsense-mediated mRNA decay.

Genetic Services Laboratory, University of Chicago
Classification: Pathogenic for Microcephaly 5, primary, autosomal recessive. Last evaluated: 2013-02-08. Review status: criteria provided, single submitter. Criteria: ACMG Guidelines, 2007. Collection method: clinical testing. Allele origin: germline. Inheritance: Autosomal recessive inheritance. Affected: yes.

Literature cited by the submitters: PubMed 19028728 (cited by Labcorp Genetics (formerly Invitae), Labcorp); PubMed 23611254 (cited by Labcorp Genetics (formerly Invitae), Labcorp).

NM_018136.5(ASPM):c.8711_8712del (p.Gln2904fs)

Gene: ASPM (assembly factor for spindle microtubules; minus strand). Cytogenetic location: 1q31.3.
Variant type: Deletion.
Coding change: c.8711_8712del on transcript NM_018136.5 (MANE Select); coding-DNA positions 8711 to 8712, 2 bases deleted (AA; older notation c.8711_8712delAA).
Protein change: p.Gln2904fs; shifts the reading frame from glutamine 2904.
Molecular consequence: frameshift variant. On other transcripts: intron variant (1).
Genome position (GRCh38, 1-based): chr1:197,100,539-197,100,540, TT deleted on the plus strand (AA on the coding strand, the reverse complement: ASPM is on the minus strand). VCF-style (leftmost placement, unchanged base first): chr1-197100538-CTT-C. GRCh37 (hg19) VCF-style: chr1-197069668-CTT-C.
Other names: c.4066-4376_4066-4375del (NM_001206846.2); short protein forms Q2904fs.
Identifiers: ClinVar variation 157898 (VCV000157898.15), dbSNP rs587783283, ClinGen allele CA271133.